The following is an entry in ClinVar:

ClinVar aggregate classification (germline): Uncertain significance. Review status: criteria provided, multiple submitters, no conflicts (2 of 4 stars). 3 submissions from 3 submitters: Uncertain significance (2). 1 of the submissions does not count toward it. Last evaluated 2024-10-25.

Conditions:
Glycine encephalopathy. Also called: Non-ketotic hyperglycinemia; Nonketotic hyperglycinemia. Identifiers: Orphanet 407, MedGen C0751748, MONDO:0011612, HP:0008288.
Inborn genetic diseases. Identifiers: MedGen C0950123, MeSH D030342.

Allele frequency attached by ClinVar (database versions not stated): gnomAD exomes 0.00001; TOPMed 0.00001.
gnomAD v4.1: 18 of 1,601,932 alleles (0.0011%); highest among the groups gnomAD compares: Non-Finnish European, 0.0015%; no homozygotes.

Submissions (3):

Ambry Genetics
Classification: Uncertain significance for Inborn genetic diseases. Last evaluated: 2024-10-25. Review status: criteria provided, single submitter. Criteria: Ambry Variant Classification Scheme 2023. Collection method: clinical testing. Allele origin: germline.

Labcorp Genetics (formerly Invitae), Labcorp
Classification: Uncertain significance for Glycine encephalopathy. Last evaluated: 2024-10-24. Review status: criteria provided, single submitter. Criteria: Invitae Variant Classification Sherloc (09022015). Collection method: clinical testing. Allele origin: germline.
Comment: This sequence change replaces methionine, which is neutral and non-polar, with isoleucine, which is neutral and non-polar, at codon 78 of the GLDC protein (p.Met78Ile). This variant is not present in population databases (gnomAD no frequency). This variant has not been reported in the literature in individuals affected with GLDC-related conditions. ClinVar contains an entry for this variant (Variation ID: 660324). Invitae Evidence Modeling of protein sequence and biophysical properties (such as structural, functional, and spatial information, amino acid conservation, physicochemical variation, residue mobility, and thermodynamic stability) indicates that this missense variant is expected to disrupt GLDC protein function with a positive predictive value of 95%. In summary, the available evidence is currently insufficient to determine the role of this variant in disease. Therefore, it has been classified as a Variant of Uncertain Significance.

Natera, Inc.
Classification: Uncertain significance for Non-ketotic hyperglycinemia. Last evaluated: 2020-03-11. Review status: no assertion criteria provided. Collection method: clinical testing. Allele origin: germline. Not counted in ClinVar's aggregate classification.

NM_000170.3(GLDC):c.234G>C (p.Met78Ile)

Gene: GLDC (glycine decarboxylase; minus strand). Cytogenetic location: 9p24.1.
Variant type: single nucleotide variant.
Coding change: c.234G>C on transcript NM_000170.3 (MANE Select); coding-DNA position 234, G replaced by C.
Protein change: p.Met78Ile; replaces methionine 78 with isoleucine.
Molecular consequence: missense variant.
Genome position (GRCh38, 1-based): chr9:6,645,266, C>G on the plus strand (G>C on the coding strand, the complement: GLDC is on the minus strand). VCF-style: chr9-6645266-C-G. GRCh37 (hg19) VCF-style: chr9-6645266-C-G.
Other names: short protein forms M78I.
Identifiers: ClinVar variation 660324 (VCV000660324.11), dbSNP rs1282813808, ClinGen allele CA372886305.